The following is an entry in ClinVar:

ClinVar aggregate classification (germline): Uncertain significance. Review status: criteria provided, multiple submitters, no conflicts (2 of 4 stars). 2 submissions from 2 submitters: Uncertain significance (2). Last evaluated 2024-05-08.

Conditions:
Hereditary cancer-predisposing syndrome. Also called: Neoplastic Syndromes, Hereditary; Hereditary neoplastic syndrome; Tumor predisposition; Hereditary Cancer Syndrome. Identifiers: Orphanet 140162, MedGen C0027672, MeSH D009386, MONDO:0015356.
Oligodontia-cancer predisposition syndrome. Also called: TOOTH AGENESIS-COLORECTAL CANCER SYNDROME. Identifiers: Orphanet 300576, MedGen C1837750, MONDO:0012075, OMIM 608615. Disease mechanism: loss of function.

Submissions (2):

Ambry Genetics
Classification: Uncertain significance for Hereditary cancer-predisposing syndrome. Last evaluated: 2024-05-08. Review status: criteria provided, single submitter. Criteria: Ambry Variant Classification Scheme 2023. Collection method: clinical testing. Allele origin: germline.
Comment: The p.E793D variant (also known as c.2379G>T), located in coding exon 9 of the AXIN2 gene, results from a G to T substitution at nucleotide position 2379. The glutamic acid at codon 793 is replaced by aspartic acid, an amino acid with highly similar properties. This amino acid position is conserved. In addition, this alteration is predicted to be tolerated by in silico analysis. Based on the available evidence, the clinical significance of this variant remains unclear.

Labcorp Genetics (formerly Invitae), Labcorp
Classification: Uncertain significance for Oligodontia-cancer predisposition syndrome. Last evaluated: 2023-01-01. Review status: criteria provided, single submitter. Criteria: Invitae Variant Classification Sherloc (09022015). Collection method: clinical testing. Allele origin: germline.
Comment: In summary, the available evidence is currently insufficient to determine the role of this variant in disease. Therefore, it has been classified as a Variant of Uncertain Significance. Advanced modeling of protein sequence and biophysical properties (such as structural, functional, and spatial information, amino acid conservation, physicochemical variation, residue mobility, and thermodynamic stability) performed at Invitae indicates that this missense variant is not expected to disrupt AXIN2 protein function. This variant has not been reported in the literature in individuals affected with AXIN2-related conditions. This variant is not present in population databases (gnomAD no frequency). This sequence change replaces glutamic acid, which is acidic and polar, with aspartic acid, which is acidic and polar, at codon 793 of the AXIN2 protein (p.Glu793Asp).

NM_004655.4(AXIN2):c.2379G>T (p.Glu793Asp)

Gene: AXIN2 (axin 2; minus strand). Cytogenetic location: 17q24.1.
Variant type: single nucleotide variant.
Coding change: c.2379G>T on transcript NM_004655.4 (MANE Select); coding-DNA position 2379, G replaced by T.
Protein change: p.Glu793Asp; replaces glutamic acid 793 with aspartic acid.
Molecular consequence: missense variant.
Genome position (GRCh38, 1-based): chr17:65,533,938, C>A on the plus strand (G>T on the coding strand, the complement: AXIN2 is on the minus strand). VCF-style: chr17-65533938-C-A. GRCh37 (hg19) VCF-style: chr17-63530056-C-A.
Other names: c.2184G>T, p.Glu728Asp (NM_001363813.1); short protein forms E793D, E728D.
Identifiers: ClinVar variation 2825881 (VCV002825881.4), dbSNP rs1367633896, ClinGen allele CA400675373.